The following is an entry in ClinVar:

ClinVar aggregate classification (germline): Uncertain significance. Review status: criteria provided, multiple submitters, no conflicts (2 of 4 stars). 2 submissions from 2 submitters: Uncertain significance (2). Last evaluated 2022-05-09.

Conditions:
Inborn genetic diseases. Identifiers: MedGen C0950123, MeSH D030342.
Glycogen storage disease due to lactate dehydrogenase M-subunit deficiency (GSD11). Also called: Glycogen storage disease XI; GSD XI; LACTATE DEHYDROGENASE A DEFICIENCY. Identifiers: Orphanet 284426, MedGen C2931743, MONDO:0013047, OMIM 612933.

Allele frequency attached by ClinVar (database versions not stated): TOPMed below 0.00001.

Submissions (2):

Labcorp Genetics (formerly Invitae), Labcorp
Classification: Uncertain significance for Glycogen storage disease due to lactate dehydrogenase M-subunit deficiency. Last evaluated: 2022-05-09. Review status: criteria provided, single submitter. Criteria: Invitae Variant Classification Sherloc (09022015). Collection method: clinical testing. Allele origin: germline.
Comment: This sequence change replaces valine, which is neutral and non-polar, with isoleucine, which is neutral and non-polar, at codon 256 of the LDHA protein (p.Val256Ile). This variant is not present in population databases (gnomAD no frequency). In summary, the available evidence is currently insufficient to determine the role of this variant in disease. Therefore, it has been classified as a Variant of Uncertain Significance. Algorithms developed to predict the effect of missense changes on protein structure and function (SIFT, PolyPhen-2, Align-GVGD) all suggest that this variant is likely to be tolerated. This variant has not been reported in the literature in individuals affected with LDHA-related conditions.

Ambry Genetics
Classification: Uncertain significance for Inborn genetic diseases. Last evaluated: 2021-08-13. Review status: criteria provided, single submitter. Criteria: Ambry Variant Classification Scheme 2023. Collection method: clinical testing. Allele origin: germline.

NM_005566.4(LDHA):c.766G>A (p.Val256Ile)

Gene: LDHA (lactate dehydrogenase A; plus strand). Cytogenetic location: 11p15.1.
Variant type: single nucleotide variant.
Coding change: c.766G>A on transcript NM_005566.4 (MANE Select); coding-DNA position 766, G replaced by A.
Protein change: p.Val256Ile; replaces valine 256 with isoleucine.
Molecular consequence: missense variant. On other transcripts: non-coding transcript variant (1), intron variant (2).
Genome position (GRCh38, 1-based): chr11:18,405,504, G>A. VCF-style: chr11-18405504-G-A. GRCh37 (hg19) VCF-style: chr11-18427051-G-A.
Other names: c.592G>A, p.Val198Ile (NM_001135239.2); c.853G>A, p.Val285Ile (NM_001165414.2); c.711-1613G>A (NM_001165416.2); c.687+1716G>A (NM_001165415.2); short protein forms V256I, V285I, V198I.
Identifiers: ClinVar variation 1927297 (VCV001927297.5), dbSNP rs1866653368, ClinGen allele CA379507898.